The following is an entry in ClinVar:

ClinVar aggregate classification (germline): Uncertain significance. Review status: criteria provided, multiple submitters, no conflicts (2 of 4 stars). 3 submissions from 3 submitters: Uncertain significance (3). Last evaluated 2024-06-26.

Conditions:
Long QT syndrome (LQTS). Identifiers: MedGen C0023976, MeSH D008133, MONDO:0002442. Disease mechanism: loss of function. Inheritance: Various modes of inheritance.
Cardiovascular phenotype. Identifiers: MedGen CN230736.

Allele frequency attached by ClinVar (database versions not stated): TOPMed below 0.00001; gnomAD 0.00001.
gnomAD v4.1: 31 of 1,613,980 alleles (0.0019%); highest among the groups gnomAD compares: Non-Finnish European, 0.0026%; no homozygotes.

Submissions (3):

Ambry Genetics
Classification: Uncertain significance for Cardiovascular phenotype. Last evaluated: 2024-06-26. Review status: criteria provided, single submitter. Criteria: Ambry Variant Classification Scheme 2023. Collection method: clinical testing. Allele origin: germline.
Comment: The p.S3818N variant (also known as c.11453G>A), located in coding exon 43 of the ANK2 gene, results from a G to A substitution at nucleotide position 11453. The serine at codon 3818 is replaced by asparagine, an amino acid with highly similar properties. This amino acid position is conserved. In addition, this alteration is predicted to be tolerated by in silico analysis. Based on the available evidence, the clinical significance of this variant remains unclear.

Labcorp Genetics (formerly Invitae), Labcorp
Classification: Uncertain significance for Long QT syndrome. Last evaluated: 2022-11-20. Review status: criteria provided, single submitter. Criteria: Invitae Variant Classification Sherloc (09022015). Collection method: clinical testing. Allele origin: germline.
Comment: This variant has not been reported in the literature in individuals affected with ANK2-related conditions. This variant is present in population databases (rs754056434, gnomAD 0.007%). This sequence change replaces serine, which is neutral and polar, with asparagine, which is neutral and polar, at codon 3818 of the ANK2 protein (p.Ser3818Asn). ClinVar contains an entry for this variant (Variation ID: 190581). In summary, the available evidence is currently insufficient to determine the role of this variant in disease. Therefore, it has been classified as a Variant of Uncertain Significance. Algorithms developed to predict the effect of missense changes on protein structure and function output the following: SIFT: "Tolerated"; PolyPhen-2: "Benign"; Align-GVGD: "Class C0". The asparagine amino acid residue is found in multiple mammalian species, which suggests that this missense change does not adversely affect protein function.

GeneDx
Classification: Uncertain significance. Last evaluated: 2014-05-09. Review status: criteria provided, single submitter. Criteria: GeneDx Variant Classification (06012015). Collection method: clinical testing. Allele origin: germline. Affected: yes.
Comment: p.Ser3818Asn (AGC>AAC): c.11453 G>A in exon 43 of the ANK2 gene (NM_001148.4). A variant of unknown significance has been identified in the ANK2 gene. The S3818N variant has not been published as a mutation, nor has it been reported as a benign polymorphism to our knowledge. The S3818N variant is a conservative amino acid substitution, which is not likely to impact secondary protein structure as these residues share similar properties. This substitution occurs at a position that is only moderately conserved across species. In silico analysis predicts this variant likely does not alter the protein structure/function. No missense mutations in nearby residues have been reported in association with arrhythmia, suggesting this region of the protein may be tolerant of change. Nevertheless, the S3818N variant was not observed in approximately 6,500 individuals of European and African American ancestry in the NHLBI Exome Sequencing Project, indicating it is not a common benign variant in these populations. Therefore, based on the currently available information, it is unclear whether this variant is a pathogenic mutation or a rare benign variant. The variant is found in POSTMORTEM panel(s).

NM_001148.6(ANK2):c.11453G>A (p.Ser3818Asn)

Gene: ANK2 (ankyrin 2; plus strand). Cytogenetic location: 4q26.
Variant type: single nucleotide variant.
Coding change: c.11453G>A on transcript NM_001148.6 (MANE Select); coding-DNA position 11453, G replaced by A.
Protein change: p.Ser3818Asn; replaces serine 3818 with asparagine.
Molecular consequence: missense variant.
Genome position (GRCh38, 1-based): chr4:113,369,648, G>A. VCF-style: chr4-113369648-G-A. GRCh37 (hg19) VCF-style: chr4-114290804-G-A.
Other names: p.S3818N:AGC>AAC; c.5171G>A, p.Ser1724Asn (NM_001127493.3); c.5210G>A, p.Ser1737Asn (NM_001354225.2); c.5099G>A, p.Ser1700Asn (NM_001354228.2, NM_001354258.2); c.5177G>A, p.Ser1726Asn (NM_001354230.2); c.5240G>A, p.Ser1747Asn (NM_001354231.2, NM_001354242.2); c.5234G>A, p.Ser1745Asn (NM_001354232.2); c.5195G>A, p.Ser1732Asn (NM_001354235.2, NM_001354246.2, NM_001354265.2); and 36 more; short protein forms S1724N, S3818N, S1658N, S1662N, S1686N, S1690N, S1748N, S1759N.
Identifiers: ClinVar variation 190581 (VCV000190581.11), dbSNP rs754056434, ClinGen allele CA300958.